The following is an entry in ClinVar:

NM_001370466.1(NOD2):c.2407C>T (p.Arg803Ter)

Gene: NOD2 (nucleotide binding oligomerization domain containing 2; plus strand). Cytogenetic location: 16q12.1.
Variant type: single nucleotide variant.
Coding change: c.2407C>T on transcript NM_001370466.1 (MANE Select); coding-DNA position 2407, C replaced by T.
Protein change: p.Arg803Ter; replaces arginine 803 with a stop codon.
Molecular consequence: nonsense. On other transcripts: non-coding transcript variant (1).
Genome position (GRCh38, 1-based): chr16:50,716,612, C>T. VCF-style: chr16-50716612-C-T. GRCh37 (hg19) VCF-style: chr16-50750523-C-T.
Other names: c.2407C>T, p.Arg803Ter (NM_001293557.2); c.2488C>T, p.Arg830Ter (NM_022162.3); short protein forms R830*, R803*.
Identifiers: ClinVar variation 939565 (VCV000939565.13), dbSNP rs760623178, ClinGen allele CA8051801.

ClinVar aggregate classification (germline): Uncertain significance. Review status: criteria provided, multiple submitters, no conflicts (2 of 4 stars). 3 submissions from 3 submitters: Uncertain significance (3). Last evaluated 2023-01-30.

Conditions:
Blau syndrome (BLAUS). Also called: GRANULOMATOSIS, FAMILIAL JUVENILE SYSTEMIC; GRANULOMATOSIS, FAMILIAL, BLAU TYPE; GRANULOMATOUS INFLAMMATORY ARTHRITIS, DERMATITIS, AND UVEITIS, FAMILIAL; JABS SYNDROME; ARTHROCUTANEOUVEAL GRANULOMATOSIS. Identifiers: Orphanet 90340, MedGen C5201146, MONDO:0008523, OMIM 186580.
Regional enteritis. Also called: Enteritis, Granulomatous. Identifiers: MedGen C0678202, MeSH D003424.
Autoinflammatory syndrome. Identifiers: Orphanet 93665, MedGen C3890737, MONDO:0019751.

Allele frequency attached by ClinVar (database versions not stated): ExAC 0.00001; gnomAD exomes 0.00001; gnomAD 0.00003 and 0.00004; TOPMed 0.00003.
gnomAD v4.1: 30 of 1,613,968 alleles (0.0019%); highest among the groups gnomAD compares: South Asian, 0.013%; no homozygotes.

Submissions (3):

Labcorp Genetics (formerly Invitae), Labcorp
Classification: Uncertain significance for Regional enteritis; Blau syndrome. Last evaluated: 2023-01-30. Review status: criteria provided, single submitter. Criteria: Invitae Variant Classification Sherloc (09022015). Collection method: clinical testing. Allele origin: germline.
Comment: In summary, the available evidence is currently insufficient to determine the role of this variant in disease. Therefore, it has been classified as a Variant of Uncertain Significance. Algorithms developed to predict the effect of sequence changes on RNA splicing suggest that this variant may disrupt the consensus splice site. ClinVar contains an entry for this variant (Variation ID: 939565). This variant has not been reported in the literature in individuals affected with NOD2-related conditions. This variant is present in population databases (rs760623178, gnomAD 0.01%). This sequence change creates a premature translational stop signal (p.Arg830*) in the NOD2 gene. It is expected to result in an absent or disrupted protein product. However, the current clinical and genetic evidence is not sufficient to establish whether loss-of-function variants in NOD2 cause disease.

GeneDx
Classification: Uncertain significance. Last evaluated: 2021-05-26. Review status: criteria provided, single submitter. Criteria: GeneDx Variant Classification Process June 2021. Collection method: clinical testing. Allele origin: germline. Affected: yes.
Comment: Nonsense variant predicted to result in protein truncation or nonsense mediated decay in a gene for which loss-of-function is not a known mechanism of disease; Has not been previously published as pathogenic or benign to our knowledge

Genome Diagnostics Laboratory, The Hospital for Sick Children
Classification: Uncertain significance for Autoinflammatory syndrome. Last evaluated: 2020-11-05. Review status: criteria provided, single submitter. Criteria: ACMG Guidelines, 2015. Collection method: clinical testing. Allele origin: germline. Affected: yes.